The following is an entry in ClinVar:

NM_020693.4(DSCAML1):c.4720A>G (p.Ser1574Gly)

Gene: DSCAML1 (DS cell adhesion molecule like 1; minus strand). Cytogenetic location: 11q23.3.
Variant type: single nucleotide variant.
Coding change: c.4720A>G on transcript NM_020693.4 (MANE Select); coding-DNA position 4720, A replaced by G.
Protein change: p.Ser1574Gly; replaces serine 1574 with glycine.
Molecular consequence: missense variant.
Genome position (GRCh38, 1-based): chr11:117,437,122, T>C on the plus strand (A>G on the coding strand, the complement: DSCAML1 is on the minus strand). VCF-style: chr11-117437122-T-C. GRCh37 (hg19) VCF-style: chr11-117307838-T-C.
Other names: short protein forms S1574G.
Identifiers: ClinVar variation 1477891 (VCV001477891.6), dbSNP rs2047934388, ClinGen allele CA382757574.
Genomic context (GRCh38, chr11:117,437,122, plus strand): 5'-ACTTCCTTCGCACCACCCTGCTCCAGCCTCTGTACCATCCCTTCCACCCTTGCGACTCAC[T>C]GCCATCGTAGTCCAGGGTGGCGAACTGGGCTGTTTCATTGCCGCAGCCCGCACTGTTGCA-3'
Protein context (NP_065744.3, residues 1564-1584): AQFATLDYDG[Ser1574Gly]TIPPIKSAQG

ClinVar aggregate classification (germline): Uncertain significance (1 of 4 stars; one submission).

Allele frequency attached by ClinVar (database versions not stated): gnomAD exomes below 0.00001.
gnomAD v4.1: 1 of 1,611,164 alleles (0.000062%); highest among the groups gnomAD compares: East Asian, 0.0022%; no homozygotes.

Submission:

Labcorp Genetics (formerly Invitae), Labcorp
Classification: Uncertain significance. Last evaluated: 2022-03-18. Review status: criteria provided, single submitter. Criteria: Invitae Variant Classification Sherloc (09022015). Collection method: clinical testing. Allele origin: germline.
Comment: This sequence change replaces serine, which is neutral and polar, with glycine, which is neutral and non-polar, at codon 1634 of the DSCAML1 protein (p.Ser1634Gly). This variant is not present in population databases (gnomAD no frequency). This variant has not been reported in the literature in individuals affected with DSCAML1-related conditions. Algorithms developed to predict the effect of missense changes on protein structure and function are either unavailable or do not agree on the potential impact of this missense change (SIFT: "Deleterious"; PolyPhen-2: "Benign"; Align-GVGD: "Class C55"). Algorithms developed to predict the effect of sequence changes on RNA splicing suggest that this variant may create or strengthen a splice site. In summary, the available evidence is currently insufficient to determine the role of this variant in disease. Therefore, it has been classified as a Variant of Uncertain Significance.